The following is an entry in ClinVar:

NM_022051.3(EGLN1):c.388G>A (p.Ala130Thr)

Gene: EGLN1 (egl-9 family hypoxia inducible factor 1; minus strand). Cytogenetic location: 1q42.2.
Variant type: single nucleotide variant.
Coding change: c.388G>A on transcript NM_022051.3 (MANE Select); coding-DNA position 388, G replaced by A.
Protein change: p.Ala130Thr; replaces alanine 130 with threonine.
Molecular consequence: missense variant.
Genome position (GRCh38, 1-based): chr1:231,421,501, C>T on the plus strand (G>A on the coding strand, the complement: EGLN1 is on the minus strand). VCF-style: chr1-231421501-C-T. GRCh37 (hg19) VCF-style: chr1-231557247-C-T.
Other names: c.388G>A, p.Ala130Thr (NM_001377260.1, NM_001377261.1); short protein forms A130T.
Identifiers: ClinVar variation 4016863 (VCV004016863.1).

ClinVar aggregate classification (germline): Uncertain significance (1 of 4 stars; one submission).

Submission:

Ambry Genetics
Classification: Uncertain significance. Last evaluated: 2025-04-20. Review status: criteria provided, single submitter. Criteria: Ambry Variant Classification Scheme 2023. Collection method: clinical testing. Allele origin: germline.
Comment: The p.A130T variant (also known as c.388G>A), located in coding exon 1 of the EGLN1 gene, results from a G to A substitution at nucleotide position 388. The alanine at codon 130 is replaced by threonine, an amino acid with similar properties. This amino acid position is conserved. In addition, this alteration is predicted to be tolerated by in silico analysis. Based on the available evidence, the clinical significance of this variant remains unclear.